The following is an entry in ClinVar:

NM_018249.6(CDK5RAP2):c.5513A>C (p.Lys1838Thr)

Gene: CDK5RAP2 (CDK5 regulatory subunit associated protein 2; minus strand). Cytogenetic location: 9q33.2.
Variant type: single nucleotide variant.
Coding change: c.5513A>C on transcript NM_018249.6 (MANE Select); coding-DNA position 5513, A replaced by C.
Protein change: p.Lys1838Thr; replaces lysine 1838 with threonine.
Molecular consequence: missense variant. On other transcripts: non-coding transcript variant (5).
Genome position (GRCh38, 1-based): chr9:120,394,577, T>G on the plus strand (A>C on the coding strand, the complement: CDK5RAP2 is on the minus strand). VCF-style: chr9-120394577-T-G. GRCh37 (hg19) VCF-style: chr9-123156855-T-G.
Other names: c.5276A>C, p.Lys1759Thr (NM_001011649.3); c.4823A>C, p.Lys1608Thr (NM_001272039.2); c.5414A>C, p.Lys1805Thr (NM_001410992.1); c.5417A>C, p.Lys1806Thr (NM_001410993.1); c.5510A>C, p.Lys1837Thr (NM_001410994.1); short protein forms K1608T, K1759T, K1805T, K1806T, K1837T, K1838T.
Identifiers: ClinVar variation 1716821 (VCV001716821.5), dbSNP rs2538814595, ClinGen allele CA374703704.
Genomic context (GRCh38, chr9:120,394,577, plus strand): 5'-TCAAAGATGACTTTTTCCTGGCGCTTGCTCAGCTGCAAAAGCTTCATGGTGTTTTGCAAC[T>G]TCTTTTCTTGTTCAAACAATTTTTTATGTAGTTTGGTGACCTCTGCCTTCATTTCTCCAA-3'
Protein context (NP_060719.4, residues 1828-1848): LHKKLFEQEK[Lys1838Thr]LQNTMKLLQL

ClinVar aggregate classification (germline): Uncertain significance (1 of 4 stars; one submission).

Submission:

Labcorp Genetics (formerly Invitae), Labcorp
Classification: Uncertain significance. Last evaluated: 2022-08-31. Review status: criteria provided, single submitter. Criteria: Invitae Variant Classification Sherloc (09022015). Collection method: clinical testing. Allele origin: germline.
Comment: In summary, the available evidence is currently insufficient to determine the role of this variant in disease. Therefore, it has been classified as a Variant of Uncertain Significance. Algorithms developed to predict the effect of missense changes on protein structure and function (SIFT, PolyPhen-2, Align-GVGD) all suggest that this variant is likely to be disruptive. This variant has not been reported in the literature in individuals affected with CDK5RAP2-related conditions. This variant is not present in population databases (gnomAD no frequency). This sequence change replaces lysine, which is basic and polar, with threonine, which is neutral and polar, at codon 1838 of the CDK5RAP2 protein (p.Lys1838Thr).